The following is an entry in ClinVar:

ClinVar aggregate classification (germline): Uncertain significance. Review status: criteria provided, multiple submitters, no conflicts (2 of 4 stars). 2 submissions from 2 submitters: Uncertain significance (2). Last evaluated 2023-06-16.

Conditions:
Emery-Dreifuss muscular dystrophy 5, autosomal dominant (EDMD5). Also called: EMERY-DREIFUSS MUSCULAR DYSTROPHY 5. Identifiers: Orphanet 261, MedGen C2751805, MONDO:0013072, OMIM 612999.

Allele frequency attached by ClinVar (database versions not stated): gnomAD exomes below 0.00001; gnomAD 0.00001.
gnomAD v4.1: 5 of 1,613,972 alleles (0.00031%); highest among the groups gnomAD compares: Non-Finnish European, 0.00042%; no homozygotes.

Submissions (2):

Ambry Genetics
Classification: Uncertain significance. Last evaluated: 2023-06-16. Review status: criteria provided, single submitter. Criteria: Ambry Variant Classification Scheme 2023. Collection method: clinical testing. Allele origin: germline.

Labcorp Genetics (formerly Invitae), Labcorp
Classification: Uncertain significance for Emery-Dreifuss muscular dystrophy 5, autosomal dominant. Last evaluated: 2021-12-08. Review status: criteria provided, single submitter. Criteria: Invitae Variant Classification Sherloc (09022015). Collection method: clinical testing. Allele origin: germline.
Comment: This sequence change replaces aspartic acid, which is acidic and polar, with tyrosine, which is neutral and polar, at codon 6810 of the SYNE2 protein (p.Asp6810Tyr). This variant is present in population databases (no rsID available, gnomAD 0.002%). This variant has not been reported in the literature in individuals affected with SYNE2-related conditions. ClinVar contains an entry for this variant (Variation ID: 574988). Algorithms developed to predict the effect of missense changes on protein structure and function are either unavailable or do not agree on the potential impact of this missense change (SIFT: "Tolerated"; PolyPhen-2: "Possibly Damaging"; Align-GVGD: "Class C0"). Algorithms developed to predict the effect of sequence changes on RNA splicing suggest that this variant may create or strengthen a splice site. In summary, the available evidence is currently insufficient to determine the role of this variant in disease. Therefore, it has been classified as a Variant of Uncertain Significance.

NM_182914.3(SYNE2):c.20428G>T (p.Asp6810Tyr)

Gene: SYNE2 (spectrin repeat containing nuclear envelope protein 2; plus strand). Cytogenetic location: 14q23.2.
Variant type: single nucleotide variant.
Coding change: c.20428G>T on transcript NM_182914.3 (MANE Select); coding-DNA position 20428, G replaced by T.
Protein change: p.Asp6810Tyr; replaces aspartic acid 6810 with tyrosine.
Molecular consequence: missense variant.
Genome position (GRCh38, 1-based): chr14:64,224,506, G>T. VCF-style: chr14-64224506-G-T. GRCh37 (hg19) VCF-style: chr14-64691224-G-T.
Other names: c.20359G>T, p.Asp6787Tyr (NM_015180.6); c.994G>T, p.Asp332Tyr (NM_182910.2); c.1372G>T, p.Asp458Tyr (NM_182913.4); short protein forms D6810Y, D332Y, D458Y, D6787Y.
Identifiers: ClinVar variation 574988 (VCV000574988.8), dbSNP rs1370786771, ClinGen allele CA389981039.